The following is an entry in ClinVar:

NM_000548.5(TSC2):c.32T>C (p.Leu11Ser)

Gene: TSC2 (TSC complex subunit 2; plus strand). Cytogenetic location: 16p13.3.
Variant type: single nucleotide variant.
Coding change: c.32T>C on transcript NM_000548.5 (MANE Select); coding-DNA position 32, T replaced by C.
Protein change: p.Leu11Ser; replaces leucine 11 with serine.
Molecular consequence: missense variant. On other transcripts: 5 prime UTR variant (19), non-coding transcript variant (5), intron variant (6).
Genome position (GRCh38, 1-based): chr16:2,048,647, T>C. VCF-style: chr16-2048647-T-C. GRCh37 (hg19) VCF-style: chr16-2098648-T-C.
Other names: c.32T>C, p.Leu11Ser (NM_001363528.2, NM_001370404.1, NM_001370405.1 and 13 more transcripts); c.-195T>C (NM_001318831.2, NM_001406682.1, NM_001406684.1 and 2 more transcripts); c.65T>C, p.Leu22Ser (NM_001318832.2); c.-1400T>C (NM_001406691.1, NM_001406692.1, NM_001406697.1 and 2 more transcripts); c.-1706T>C (NM_001406693.1); c.-1281T>C (NM_001406694.1, NM_001406695.1); c.-1388T>C (NM_001406696.1); c.-1576T>C (NM_001406698.1); and 4 more; short protein forms L11S, L22S.
Identifiers: ClinVar variation 4192144 (VCV004192144.1).
Genomic context (GRCh38, chr16:2,048,647, plus strand): 5'-AGGGGTTTTCTGGTGCGTCCTGGTCCACCATGGCCAAACCAACAAGCAAAGATTCAGGCT[T>C]GAAGGAGAAGTTTAAGATTCTGTTGGGACTGGGAACACCGAGGCCAAATCCCAGGTCTGC-3'
Protein context (NP_000539.2, residues 1-21): MAKPTSKDSG[Leu11Ser]KEKFKILLGL

ClinVar aggregate classification (germline): Uncertain significance (1 of 4 stars; one submission).

Conditions:
Hereditary cancer-predisposing syndrome. Also called: Neoplastic Syndromes, Hereditary; Tumor predisposition; Hereditary Cancer Syndrome; Hereditary neoplastic syndrome. Identifiers: Orphanet 140162, MedGen C0027672, MeSH D009386, MONDO:0015356.

Submission:

Ambry Genetics
Classification: Uncertain significance for Hereditary cancer-predisposing syndrome. Last evaluated: 2025-06-25. Review status: criteria provided, single submitter. Criteria: Ambry Variant Classification Scheme 2023. Collection method: clinical testing. Allele origin: germline.
Comment: The p.L11S variant (also known as c.32T>C), located in coding exon 1 of the TSC2 gene, results from a T to C substitution at nucleotide position 32. The leucine at codon 11 is replaced by serine, an amino acid with dissimilar properties. This amino acid position is conserved. In addition, the in silico prediction for this alteration is inconclusive. Based on the available evidence, the clinical significance of this variant remains unclear.